The following is an entry in ClinVar:

NM_000540.3(RYR1):c.264C>T (p.Gly88=)

Gene: RYR1 (ryanodine receptor 1; plus strand). Cytogenetic location: 19q13.2.
Variant type: single nucleotide variant.
Coding change: c.264C>T on transcript NM_000540.3 (MANE Select); coding-DNA position 264, C replaced by T.
Protein change: p.Gly88=; no amino-acid change (glycine 88 retained).
Molecular consequence: synonymous variant.
Genome position (GRCh38, 1-based): chr19:38,442,447, C>T. VCF-style: chr19-38442447-C-T. GRCh37 (hg19) VCF-style: chr19-38933087-C-T.
Other names: c.264C>T, p.Gly88= (NM_001042723.2).
Identifiers: ClinVar variation 506609 (VCV000506609.10), dbSNP rs190919088, ClinGen allele CA063650.
Genomic context (GRCh38, chr19:38,442,447, plus strand): 5'-GGAGCAGTCCCTGTCTGTGCGAGCCCTGCAGGAGATGCTGGCTAACACGGTGGAGGCTGG[C>T]GTGGAGGTGAGGACCCCACCTGGGGGTGGGCGGGGTGGCAGAGATGGGCGAGAGGACCCA-3'
Protein context (NP_000531.2, residues 78-98): QEMLANTVEA[Gly88=]VESSQGGGHR

ClinVar aggregate classification (germline): Likely benign. Review status: criteria provided, multiple submitters, no conflicts (2 of 4 stars). 4 submissions from 4 submitters: Likely benign (4). Last evaluated 2024-11-18.

Conditions:
RYR1-related disorder. Also called: RYR1-related condition; RYR1-related disorders. Identifiers: MedGen CN239331.
Malignant hyperthermia, susceptibility to, 1 (MHS1). Also called: Anesthesia related hyperthermia; Malignant hyperpyrexia; Fulminating hyperpyrexia; Pharmacogenic myopathy; RYR1-Related Malignant Hyperthermia Susceptibility; Malignant hyperthermia suceptibility 1. Identifiers: Orphanet 423, MedGen C2930980, MONDO:0007783, OMIM 145600.

Allele frequency attached by ClinVar (database versions not stated): ExAC 0.00003; gnomAD exomes 0.00004 and 0.00008; gnomAD 0.00006 and 0.00008; TOPMed 0.00006; ESP Exome Variant Server 0.00015; 1000 Genomes Project 30x 0.00016; 1000 Genomes Project 0.00020.
gnomAD v4.1: 138 of 1,612,408 alleles (0.0086%); highest among the groups gnomAD compares: East Asian, 0.071%; 1 homozygote.

Submissions (4):

Labcorp Genetics (formerly Invitae), Labcorp
Classification: Likely benign for RYR1-related disorder. Last evaluated: 2024-11-18. Review status: criteria provided, single submitter. Criteria: Invitae Variant Classification Sherloc (09022015). Collection method: clinical testing. Allele origin: germline.

All of Us Research Program, National Institutes of Health
Classification: Likely benign for Malignant hyperthermia, susceptibility to, 1. Last evaluated: 2024-02-05. Review status: criteria provided, single submitter. Criteria: ACMG Guidelines, 2015. Collection method: clinical testing. Allele origin: germline. Inheritance: Autosomal dominant inheritance. Observed: 19 variant alleles, 19 heterozygotes.
Comment: This study involves interpretation of variants in research participants for the purpose of population health screening. Participant phenotype was not available at the time of variant classification. Additional details can be found in publication PMID: 35346344, PMCID: PMC8962531

Color Diagnostics, LLC DBA Color Health
Classification: Likely benign for Malignant hyperthermia, susceptibility to, 1. Last evaluated: 2022-05-03. Review status: criteria provided, single submitter. Criteria: ACMG Guidelines, 2015. Collection method: clinical testing. Allele origin: germline.

GeneDx
Classification: Likely benign. Last evaluated: 2017-09-21. Review status: criteria provided, single submitter. Criteria: GeneDx Variant Classification (06012015). Collection method: clinical testing. Allele origin: germline. Affected: yes.
Comment: This variant is considered likely benign or benign based on one or more of the following criteria: it is a conservative change, it occurs at a poorly conserved position in the protein, it is predicted to be benign by multiple in silico algorithms, and/or has population frequency not consistent with disease.